The following is an entry in ClinVar:

ClinVar aggregate classification (germline): Conflicting classifications of pathogenicity. Review status: criteria provided, conflicting classifications (1 of 4 stars). 2 submissions from 2 submitters: Uncertain significance (1); Likely benign (1). Last evaluated 2025-05-23.

Conditions:
Hereditary cancer-predisposing syndrome. Also called: Hereditary Cancer Syndrome; Hereditary neoplastic syndrome; Neoplastic Syndromes, Hereditary; Tumor predisposition. Identifiers: Orphanet 140162, MedGen C0027672, MeSH D009386, MONDO:0015356.
Familial cancer of breast. Also called: Hereditary breast cancer; BREAST CANCER, FAMILIAL; hereditary breast carcinoma. Identifiers: Orphanet 227535, MedGen C0346153, MONDO:0016419, OMIM 114480. Disease mechanism: loss of function.

Allele frequency attached by ClinVar (database versions not stated): TOPMed below 0.00001.

Submissions (2):

Labcorp Genetics (formerly Invitae), Labcorp
Classification: Uncertain significance for Familial cancer of breast. Last evaluated: 2025-05-23. Review status: criteria provided, single submitter. Criteria: Invitae Variant Classification Sherloc (09022015). Collection method: clinical testing. Allele origin: germline.
Comment: This sequence change replaces serine, which is neutral and polar, with asparagine, which is neutral and polar, at codon 1087 of the PALB2 protein (p.Ser1087Asn). This variant is not present in population databases (gnomAD no frequency). This variant has not been reported in the literature in individuals affected with PALB2-related conditions. ClinVar contains an entry for this variant (Variation ID: 216754). An algorithm developed to predict the effect of missense changes on protein structure and function outputs the following: PolyPhen-2: "Benign". The asparagine amino acid residue is found in multiple mammalian species, which suggests that this missense change does not adversely affect protein function. In summary, the available evidence is currently insufficient to determine the role of this variant in disease. Therefore, it has been classified as a Variant of Uncertain Significance.

Ambry Genetics
Classification: Likely benign for Hereditary cancer-predisposing syndrome. Last evaluated: 2024-07-11. Review status: criteria provided, single submitter. Criteria: Ambry Variant Classification Scheme 2023. Collection method: clinical testing. Allele origin: germline.

NM_024675.4(PALB2):c.3260G>A (p.Ser1087Asn)

Gene: PALB2 (partner and localizer of BRCA2; minus strand). Cytogenetic location: 16p12.2.
Variant type: single nucleotide variant.
Coding change: c.3260G>A on transcript NM_024675.4 (MANE Select); coding-DNA position 3260, G replaced by A.
Protein change: p.Ser1087Asn; replaces serine 1087 with asparagine.
Molecular consequence: missense variant.
Genome position (GRCh38, 1-based): chr16:23,607,954, C>T on the plus strand (G>A on the coding strand, the complement: PALB2 is on the minus strand). VCF-style: chr16-23607954-C-T. GRCh37 (hg19) VCF-style: chr16-23619275-C-T.
Other names: short protein forms S1087N.
Identifiers: ClinVar variation 216754 (VCV000216754.13), dbSNP rs863224786, ClinGen allele CA336127.